The following is an entry in ClinVar:

NM_002184.4(IL6ST):c.973+665C>T

Gene: IL6ST (interleukin 6 cytokine family signal transducer; minus strand). Cytogenetic location: 5q11.2.
Variant type: single nucleotide variant.
Coding change: c.973+665C>T on transcript NM_002184.4 (MANE Select); 665 bases into the intron after coding-DNA position 973, C replaced by T.
Molecular consequence: intron variant.
Genome position (GRCh38, 1-based): chr5:55,959,737, G>A on the plus strand (C>T on the coding strand, the complement: IL6ST is on the minus strand). VCF-style: chr5-55959737-G-A. GRCh37 (hg19) VCF-style: chr5-55255565-G-A.
Other names: c.763+665C>T (NM_001364276.2); c.60+665C>T (NM_001364279.2); c.70+665C>T (NM_001364278.2); c.61-66C>T (NM_001364277.2); c.973+665C>T (NM_175767.3, NM_001190981.2, NM_001364275.2).
Identifiers: ClinVar variation 2688475 (VCV002688475.2), dbSNP rs1373998, ClinGen allele CA119049693.

ClinVar aggregate classification (germline): Benign (1 of 4 stars; one submission).

Allele frequency attached by ClinVar (database versions not stated): gnomAD exomes 0.13140; 1000 Genomes Project 0.23303; 1000 Genomes Project 30x 0.24063; gnomAD 0.24106; TOPMed 0.25653.
gnomAD v4.1: 115,878 of 751,860 alleles (15%); highest among the groups gnomAD compares: African/African-American, 53%; 13,757 homozygotes.

Submission:

Unidad de Genómica Garrahan, Hospital de Pediatría Garrahan
Classification: Benign. Last evaluated: 2024-01-24. Review status: criteria provided, single submitter. Criteria: ACMG Guidelines, 2015. Collection method: clinical testing. Allele origin: germline. Affected: no. Observed: 23 variant alleles.
Comment: This variant is classified as Benign based on local population frequency. This variant was detected in 26% of patients studied by a panel of primary immunodeficiencies. Number of patients: 23. Only high quality variants are reported.